The following is an entry in ClinVar:

ClinVar aggregate classification (germline): Uncertain significance (1 of 4 stars; one submission).

Conditions:
Charcot-Marie-Tooth disease type 4. Also called: Charcot-Marie-Tooth disease, type IV; Charcot-Marie-Tooth, Type 4. Identifiers: Orphanet 64749, MedGen C4082197, MONDO:0018995.

Allele frequency attached by ClinVar (database versions not stated): gnomAD exomes below 0.00001; gnomAD 0.00001.
gnomAD v4.1: 6 of 1,613,824 alleles (0.00037%); highest among the groups gnomAD compares: Non-Finnish European, 0.00042%; no homozygotes.

Submission:

Labcorp Genetics (formerly Invitae), Labcorp
Classification: Uncertain significance for Charcot-Marie-Tooth disease type 4. Last evaluated: 2022-08-16. Review status: criteria provided, single submitter. Criteria: Invitae Variant Classification Sherloc (09022015). Collection method: clinical testing. Allele origin: germline.
Comment: Algorithms developed to predict the effect of missense changes on protein structure and function are either unavailable or do not agree on the potential impact of this missense change (SIFT: "Deleterious"; PolyPhen-2: "Possibly Damaging"; Align-GVGD: "Class C0"). In summary, the available evidence is currently insufficient to determine the role of this variant in disease. Therefore, it has been classified as a Variant of Uncertain Significance. ClinVar contains an entry for this variant (Variation ID: 944774). This variant has not been reported in the literature in individuals affected with PRX-related conditions. This variant is present in population databases (no rsID available, gnomAD 0.007%). This sequence change replaces leucine, which is neutral and non-polar, with proline, which is neutral and non-polar, at codon 861 of the PRX protein (p.Leu861Pro).

NM_181882.3(PRX):c.2582T>C (p.Leu861Pro)

Gene: PRX (periaxin; minus strand). Cytogenetic location: 19q13.2.
Variant type: single nucleotide variant.
Coding change: c.2582T>C on transcript NM_181882.3 (MANE Select); coding-DNA position 2582, T replaced by C.
Protein change: p.Leu861Pro; replaces leucine 861 with proline.
Molecular consequence: missense variant. On other transcripts: 3 prime UTR variant (1).
Genome position (GRCh38, 1-based): chr19:40,395,770, A>G on the plus strand (T>C on the coding strand, the complement: PRX is on the minus strand). VCF-style: chr19-40395770-A-G. GRCh37 (hg19) VCF-style: chr19-40901677-A-G.
Other names: c.*2787T>C (NM_020956.2); short protein forms L861P.
Identifiers: ClinVar variation 944774 (VCV000944774.9), dbSNP rs1192034174, ClinGen allele CA405895989.
Genomic context (GRCh38, chr19:40,395,770, plus strand): 5'-CGCTCTCCCTTGCCCATTTTAGCGGCTGGGACCTGCCCCTGCAGGCCAAGTGCTCCTGGC[A>G]GGTCTAGCTCCACTGAAGGCAGAGTGAGAGAGGGGACACCCACATGAGCCTCACCATCCA-3'
Protein context (NP_870998.2, residues 851-871): SLTLPSVELD[Leu861Pro]PGALGLQGQV